The following is an entry in ClinVar:

NM_000258.3(MYL3):c.400G>A (p.Val134Met)

Gene: MYL3 (myosin light chain 3; minus strand). Cytogenetic location: 3p21.31.
Variant type: single nucleotide variant.
Coding change: c.400G>A on transcript NM_000258.3 (MANE Select); coding-DNA position 400, G replaced by A.
Protein change: p.Val134Met; replaces valine 134 with methionine.
Molecular consequence: missense variant.
Genome position (GRCh38, 1-based): chr3:46,859,556, C>T on the plus strand (G>A on the coding strand, the complement: MYL3 is on the minus strand). VCF-style: chr3-46859556-C-T. GRCh37 (hg19) VCF-style: chr3-46901046-C-T.
Other names: short protein forms V134M.
Identifiers: ClinVar variation 264162 (VCV000264162.13), dbSNP rs776163180, ClinGen allele CA10587578.

ClinVar aggregate classification (germline): Uncertain significance. Review status: criteria provided, multiple submitters, no conflicts (2 of 4 stars). 4 submissions from 4 submitters: Uncertain significance (4). Last evaluated 2025-09-04.

Conditions:
Cardiovascular phenotype. Identifiers: MedGen CN230736.
Hypertrophic cardiomyopathy. Also called: HYPERTROPHIC MYOCARDIOPATHY. Identifiers: Orphanet 217569, MedGen C0007194, MeSH D002312, MONDO:0005045, HP:0001639.
Cardiomyopathy (CMYO). Also called: Cardiomyopathies. Identifiers: Orphanet 167848, MedGen C0878544, MONDO:0004994, HP:0001638. Inheritance: Various modes of inheritance.

gnomAD v4.1: 2 of 1,614,218 alleles (0.00012%); highest among the groups gnomAD compares: Non-Finnish European, 0.00017%; no homozygotes.

Submissions (4):

Color Diagnostics, LLC DBA Color Health
Classification: Uncertain significance for Cardiomyopathy. Last evaluated: 2025-09-04. Review status: criteria provided, single submitter. Criteria: ACMG Guidelines, 2015. Collection method: clinical testing. Allele origin: germline.
Comment: This missense variant replaces valine with methionine at codon 134 of the MYL3 protein. Computational prediction suggests that this variant may have deleterious impact on protein structure and function. To our knowledge, functional studies have not been reported for this variant. This variant has not been reported in individuals affected with MYL3-related disorders in the literature. This variant has not been identified in the general population by the Genome Aggregation Database (gnomAD). The available evidence is insufficient to determine the role of this variant in disease conclusively. Therefore, this variant is classified as a Variant of Uncertain Significance.

Ambry Genetics
Classification: Uncertain significance for Cardiovascular phenotype. Last evaluated: 2025-07-09. Review status: criteria provided, single submitter. Criteria: Ambry Variant Classification Scheme 2023. Collection method: clinical testing. Allele origin: germline.
Comment: The p.V134M variant (also known as c.400G>A), located in coding exon 4 of the MYL3 gene, results from a G to A substitution at nucleotide position 400. The valine at codon 134 is replaced by methionine, an amino acid with highly similar properties. This variant was not reported in population based cohorts in the following databases: Database of Single Nucleotide Polymorphisms (dbSNP), NHLBI Exome Sequencing Project (ESP), and 1000 Genomes Project. Based on data from ExAC, the A allele has an overall frequency less than 0.0008% (1/121412). In the ESP, this variant was not observed in 6503 samples (13006 alleles) with coverage at this position. This amino acid position is highly conserved in available vertebrate species. In addition, this alteration is predicted to be benign yet deleterious by PolyPhen and SIFT in silico analyses, respectively. Since supporting evidence for this variant is limited at this time, its clinical significance is unclear.

Labcorp Genetics (formerly Invitae), Labcorp
Classification: Uncertain significance for Hypertrophic cardiomyopathy. Last evaluated: 2025-03-19. Review status: criteria provided, single submitter. Criteria: Invitae Variant Classification Sherloc (09022015). Collection method: clinical testing. Allele origin: germline.
Comment: This sequence change replaces valine, which is neutral and non-polar, with methionine, which is neutral and non-polar, at codon 134 of the MYL3 protein (p.Val134Met). This variant is not present in population databases (gnomAD no frequency). This variant has not been reported in the literature in individuals affected with MYL3-related conditions. ClinVar contains an entry for this variant (Variation ID: 264162). An algorithm developed to predict the effect of missense changes on protein structure and function (PolyPhen-2) suggests that this variant is likely to be disruptive. In summary, the available evidence is currently insufficient to determine the role of this variant in disease. Therefore, it has been classified as a Variant of Uncertain Significance.

Molecular Diagnostic Laboratory for Inherited Cardiovascular Disease, Montreal Heart Institute
Classification: Uncertain significance. Review status: criteria provided, single submitter. Criteria: ACMG Guidelines, 2015. Collection method: clinical testing. Allele origin: germline. Affected: yes.